The following is an entry in ClinVar:

ClinVar aggregate classification (germline): Uncertain significance (1 of 4 stars; one submission).

Allele frequency attached by ClinVar (database versions not stated): gnomAD 0.00001.
gnomAD v4.1: 1 of 1,613,454 alleles (0.000062%); highest among the groups gnomAD compares: Non-Finnish European, 0.000085%; no homozygotes.

Submission:

Labcorp Genetics (formerly Invitae), Labcorp
Classification: Uncertain significance. Last evaluated: 2021-09-23. Review status: criteria provided, single submitter. Criteria: Invitae Variant Classification Sherloc (09022015). Collection method: clinical testing. Allele origin: germline.
Comment: In summary, the available evidence is currently insufficient to determine the role of this variant in disease. Therefore, it has been classified as a Variant of Uncertain Significance. Algorithms developed to predict the effect of missense changes on protein structure and function are either unavailable or do not agree on the potential impact of this missense change (SIFT: "Tolerated"; PolyPhen-2: "Not Available"; Align-GVGD: "Class C0"). This variant has not been reported in the literature in individuals affected with PCLO-related conditions. This variant is not present in population databases (ExAC no frequency). This sequence change replaces alanine with valine at codon 2511 of the PCLO protein (p.Ala2511Val). The alanine residue is moderately conserved and there is a small physicochemical difference between alanine and valine.

NM_033026.6(PCLO):c.7532C>T (p.Ala2511Val)

Gene: PCLO (piccolo presynaptic cytomatrix protein; minus strand). Cytogenetic location: 7q21.11.
Variant type: single nucleotide variant.
Coding change: c.7532C>T on transcript NM_033026.6 (MANE Select); coding-DNA position 7532, C replaced by T.
Protein change: p.Ala2511Val; replaces alanine 2511 with valine.
Molecular consequence: missense variant.
Genome position (GRCh38, 1-based): chr7:82,953,421, G>A on the plus strand (C>T on the coding strand, the complement: PCLO is on the minus strand). VCF-style: chr7-82953421-G-A. GRCh37 (hg19) VCF-style: chr7-82582737-G-A.
Other names: c.7532C>T, p.Ala2511Val (NM_014510.3); short protein forms A2511V.
Identifiers: ClinVar variation 1406102 (VCV001406102.6), dbSNP rs1263974939, ClinGen allele CA367916818.